The following is an entry in ClinVar:

NM_001365276.2(TNXB):c.1372G>A (p.Gly458Ser)

Gene: TNXB (tenascin XB; minus strand). Cytogenetic location: 6p21.33.
Variant type: single nucleotide variant.
Coding change: c.1372G>A on transcript NM_001365276.2 (MANE Select); coding-DNA position 1372, G replaced by A.
Protein change: p.Gly458Ser; replaces glycine 458 with serine.
Molecular consequence: missense variant.
Genome position (GRCh38, 1-based): chr6:32,096,481, C>T on the plus strand (G>A on the coding strand, the complement: TNXB is on the minus strand). VCF-style: chr6-32096481-C-T. GRCh37 (hg19) VCF-style: chr6-32064258-C-T.
Other names: c.1372G>A, p.Gly458Ser (NM_019105.8); short protein forms G458S.
Identifiers: ClinVar variation 3327871 (VCV003327871.1).

ClinVar aggregate classification (germline): Uncertain significance (1 of 4 stars; one submission).

Conditions:
Cardiovascular phenotype. Identifiers: MedGen CN230736.

gnomAD v4.1: 4 of 1,600,290 alleles (0.00025%); highest among the groups gnomAD compares: South Asian, 0.0011%; no homozygotes.

Submission:

Ambry Genetics
Classification: Uncertain significance for Cardiovascular phenotype. Last evaluated: 2024-03-24. Review status: criteria provided, single submitter. Criteria: Ambry Variant Classification Scheme 2023. Collection method: clinical testing. Allele origin: germline.
Comment: The p.G458S variant (also known as c.1372G>A), located in coding exon 2 of the TNXB gene, results from a G to A substitution at nucleotide position 1372. The glycine at codon 458 is replaced by serine, an amino acid with similar properties. This amino acid position is conserved. In addition, this alteration is predicted to be deleterious by in silico analysis. Based on the available evidence, the clinical significance of this alteration remains unclear.